The following is an entry in ClinVar:

NM_001079843.3(CASZ1):c.1609G>A (p.Val537Ile)

Gene: CASZ1 (castor zinc finger 1; minus strand). Cytogenetic location: 1p36.22.
Variant type: single nucleotide variant.
Coding change: c.1609G>A on transcript NM_001079843.3 (MANE Select); coding-DNA position 1609, G replaced by A.
Protein change: p.Val537Ile; replaces valine 537 with isoleucine.
Molecular consequence: missense variant.
Genome position (GRCh38, 1-based): chr1:10,655,705, C>T on the plus strand (G>A on the coding strand, the complement: CASZ1 is on the minus strand). VCF-style: chr1-10655705-C-T. GRCh37 (hg19) VCF-style: chr1-10715762-C-T.
Other names: c.1609G>A (NM_001079843.2); c.1609G>A, p.Val537Ile (NM_017766.5); short protein forms V537I.
Identifiers: ClinVar variation 2851425 (VCV002851425.6), dbSNP rs150917673, ClinGen allele CA585066.

ClinVar aggregate classification (germline): Likely benign. Review status: criteria provided, multiple submitters, no conflicts (2 of 4 stars). 3 submissions from 3 submitters: Likely benign (2). 1 of the submissions does not count toward it. Last evaluated 2025-11-28.

Conditions:
CASZ1-related disorder. Also called: CASZ1-related condition.

Allele frequency attached by ClinVar (database versions not stated): 1000 Genomes Project 30x 0.00016; 1000 Genomes Project 0.00020; ESP Exome Variant Server 0.00038; ExAC 0.00039; gnomAD 0.00042; TOPMed 0.00044; gnomAD exomes 0.00052.
gnomAD v4.1: 845 of 1,614,144 alleles (0.052%); highest among the groups gnomAD compares: Middle Eastern, 0.21%; 2 homozygotes.

Submissions (3):

Labcorp Genetics (formerly Invitae), Labcorp
Classification: Likely benign. Last evaluated: 2025-11-28. Review status: criteria provided, single submitter. Criteria: Invitae Variant Classification Sherloc (09022015). Collection method: clinical testing. Allele origin: germline.

Blueprint Genetics
Classification: Likely benign. Last evaluated: 2024-09-12. Review status: criteria provided, single submitter. Criteria: ACMG Guidelines, 2015. Collection method: clinical testing. Allele origin: germline.

PreventionGenetics, part of Exact Sciences
Classification: Likely benign for CASZ1-related condition. Last evaluated: 2022-02-11. Review status: no assertion criteria provided. Collection method: clinical testing. Allele origin: germline. Not counted in ClinVar's aggregate classification.
Comment: This variant is classified as likely benign based on ACMG/AMP sequence variant interpretation guidelines (Richards et al. 2015 PMID: 25741868, with internal and published modifications).